The following is an entry in ClinVar:

ClinVar aggregate classification (germline): Uncertain significance (1 of 4 stars; one submission).

Conditions:
Neutropenia, severe congenital, 2, autosomal dominant. Identifiers: Orphanet 486, MedGen C2751288, MONDO:0013139, OMIM 613107.

gnomAD v4.1: 1 of 1,598,892 alleles (0.000063%); highest among the groups gnomAD compares: South Asian, 0.0011%; no homozygotes.

Submission:

Labcorp Genetics (formerly Invitae), Labcorp
Classification: Uncertain significance for Neutropenia, severe congenital, 2, autosomal dominant. Last evaluated: 2025-10-06. Review status: criteria provided, single submitter. Criteria: Invitae Variant Classification Sherloc (09022015). Collection method: clinical testing. Allele origin: germline.
Comment: This sequence change replaces alanine, which is neutral and non-polar, with glycine, which is neutral and non-polar, at codon 218 of the GFI1 protein (p.Ala218Gly). This variant is not present in population databases (gnomAD no frequency). This variant has not been reported in the literature in individuals affected with GFI1-related conditions. Invitae Evidence Modeling of protein sequence and biophysical properties (such as structural, functional, and spatial information, amino acid conservation, physicochemical variation, residue mobility, and thermodynamic stability) indicates that this missense variant is not expected to disrupt GFI1 protein function with a negative predictive value of 80%. In summary, the available evidence is currently insufficient to determine the role of this variant in disease. Therefore, it has been classified as a Variant of Uncertain Significance.

NM_005263.5(GFI1):c.653C>G (p.Ala218Gly)

Gene: GFI1 (growth factor independent 1 transcriptional repressor; minus strand). Cytogenetic location: 1p22.1.
Variant type: single nucleotide variant.
Coding change: c.653C>G on transcript NM_005263.5 (MANE Select); coding-DNA position 653, C replaced by G.
Protein change: p.Ala218Gly; replaces alanine 218 with glycine.
Molecular consequence: missense variant.
Genome position (GRCh38, 1-based): chr1:92,480,734, G>C on the plus strand (C>G on the coding strand, the complement: GFI1 is on the minus strand). VCF-style: chr1-92480734-G-C. GRCh37 (hg19) VCF-style: chr1-92946291-G-C.
Other names: c.653C>G, p.Ala218Gly (NM_001127215.3, NM_001127216.3); short protein forms A218G.
Identifiers: ClinVar variation 4740429 (VCV004740429.1).